The following is an entry in ClinVar:

NM_001375808.2(LPIN2):c.2443-2A>G

Gene: LPIN2 (lipin 2; minus strand). Cytogenetic location: 18p11.31.
Variant type: single nucleotide variant.
Coding change: c.2443-2A>G on transcript NM_001375808.2 (MANE Select); the canonical splice acceptor site of the intron before coding-DNA position 2443, A replaced by G.
Molecular consequence: splice acceptor variant.
Genome position (GRCh38, 1-based): chr18:2,920,883, T>C on the plus strand (A>G on the coding strand, the complement: LPIN2 is on the minus strand). VCF-style: chr18-2920883-T-C. GRCh37 (hg19) VCF-style: chr18-2920881-T-C.
Other names: c.2443-2A>G (NM_014646.2, NM_001375809.1).
Identifiers: ClinVar variation 1474796 (VCV001474796.8), dbSNP rs2144112758, ClinGen allele CA401694244.

ClinVar aggregate classification (germline): Likely pathogenic (1 of 4 stars; one submission).

Conditions:
Majeed syndrome (MJDS). Also called: LPIN2-Related Majeed Syndrome; CHRONIC RECURRENT MULTIFOCAL OSTEOMYELITIS 1, WITH CONGENITAL DYSERYTHROPOIETIC ANEMIA, WITH OR WITHOUT NEUTROPHILIC DERMATOSIS. Identifiers: Orphanet 77297, MedGen C1864997, MONDO:0012316, OMIM 609628.

Allele frequency attached by ClinVar (database versions not stated): gnomAD exomes below 0.00001.
gnomAD v4.1: 2 of 1,604,930 alleles (0.00012%); highest among the groups gnomAD compares: Non-Finnish European, 0.000085%; no homozygotes.

Submission:

Labcorp Genetics (formerly Invitae), Labcorp
Classification: Likely pathogenic for Majeed syndrome. Last evaluated: 2021-04-29. Review status: criteria provided, single submitter. Criteria: Invitae Variant Classification Sherloc (09022015). Collection method: clinical testing. Allele origin: germline.
Comment: This variant has not been reported in the literature in individuals with LPIN2-related conditions. Algorithms developed to predict the effect of sequence changes on RNA splicing suggest that this variant may disrupt the consensus splice site, but this prediction has not been confirmed by published transcriptional studies. In summary, the currently available evidence indicates that the variant is pathogenic, but additional data are needed to prove that conclusively. Therefore, this variant has been classified as Likely Pathogenic. This sequence change affects an acceptor splice site in intron 18 of the LPIN2 gene. It is expected to disrupt RNA splicing. Variants that disrupt the donor or acceptor splice site typically lead to a loss of protein function (PMID: 16199547), and loss-of-function variants in LPIN2 are known to be pathogenic (PMID: 15994876, 23087183). This variant is not present in population databases (ExAC no frequency).

Literature cited by the submitters: PubMed 16199547; PubMed 15994876; PubMed 23087183.